The following is an entry in ClinVar:

ClinVar aggregate classification (germline): Benign (0 of 4 stars; one submission).

Conditions:
ZFHX3-related disorder. Also called: ZFHX3-related condition.

Allele frequency attached by ClinVar (database versions not stated): gnomAD 0.00641; ESP Exome Variant Server 0.00708; 1000 Genomes Project 0.00759; 1000 Genomes Project 30x 0.00843.
gnomAD v4.1: 4,543 of 1,611,296 alleles (0.28%); highest among the groups gnomAD compares: African/African-American, 1.6%; 16 homozygotes.

Submission:

PreventionGenetics, part of Exact Sciences
Classification: Benign for ZFHX3-related condition. Last evaluated: 2019-07-01. Review status: no assertion criteria provided. Collection method: clinical testing. Allele origin: germline.
Comment: This variant is classified as benign based on ACMG/AMP sequence variant interpretation guidelines (Richards et al. 2015 PMID: 25741868, with internal and published modifications).

NM_006885.4(ZFHX3):c.1135C>G (p.Leu379Val)

Gene: ZFHX3 (zinc finger homeobox 3; minus strand). Cytogenetic location: 16q22.3.
Variant type: single nucleotide variant.
Coding change: c.1135C>G on transcript NM_006885.4 (MANE Select); coding-DNA position 1135, C replaced by G.
Protein change: p.Leu379Val; replaces leucine 379 with valine.
Molecular consequence: missense variant. On other transcripts: intron variant (1).
Genome position (GRCh38, 1-based): chr16:72,959,011, G>C on the plus strand (C>G on the coding strand, the complement: ZFHX3 is on the minus strand). VCF-style: chr16-72959011-G-C. GRCh37 (hg19) VCF-style: chr16-72992910-G-C.
Other names: c.1135C>G, p.Leu379Val (NM_001386735.1); c.-23-8046C>G (NM_001164766.2); short protein forms L379V.
Identifiers: ClinVar variation 3056548 (VCV003056548.2), dbSNP rs147445846, ClinGen allele CA8164827.
Genomic context (GRCh38, chr16:72,959,011, plus strand): 5'-TGCTGGGGGTCAAGAGACCAGCCTGGGGCTGCTCGGGGCCAGCGGCGGAGCCCGCTGGGA[G>C]AGCTTCCTCCCCTTCCATTCGAATGCCACTAAATTTACCATAAAAACTGTGTCCGGGGCC-3'
Protein context (NP_008816.3, residues 369-389): SGIRMEGEEA[Leu379Val]PAGSAAGPEQ